The following is an entry in ClinVar:

ClinVar aggregate classification (germline): Likely benign. Review status: criteria provided, multiple submitters, no conflicts (2 of 4 stars). 3 submissions from 3 submitters: Likely benign (3). Last evaluated 2023-12-13.

Conditions:
Hypertrophic cardiomyopathy. Also called: HYPERTROPHIC MYOCARDIOPATHY. Identifiers: Orphanet 217569, MedGen C0007194, MeSH D002312, MONDO:0005045, HP:0001639.
Cardiomyopathy (CMYO). Also called: Cardiomyopathies. Identifiers: Orphanet 167848, MedGen C0878544, MONDO:0004994, HP:0001638. Inheritance: Various modes of inheritance.

Allele frequency attached by ClinVar (database versions not stated): gnomAD exomes below 0.00001; TOPMed below 0.00001; ExAC 0.00001; gnomAD 0.00001.
gnomAD v4.1: 1 of 1,612,530 alleles (0.000062%); highest among the groups gnomAD compares: Non-Finnish European, 0.000085%; no homozygotes.

Submissions (3):

All of Us Research Program, National Institutes of Health
Classification: Likely benign for Cardiomyopathy. Last evaluated: 2023-12-13. Review status: criteria provided, single submitter. Criteria: ACMG Guidelines, 2015. Collection method: clinical testing. Allele origin: germline. Inheritance: Autosomal dominant inheritance. Observed: 1 variant allele, 1 heterozygote.
Comment: This study involves interpretation of variants in research participants for the purpose of population health screening. Participant phenotype was not available at the time of variant classification. Additional details can be found in publication PMID: 35346344, PMCID: PMC8962531

Labcorp Genetics (formerly Invitae), Labcorp
Classification: Likely benign for Hypertrophic cardiomyopathy. Last evaluated: 2023-09-28. Review status: criteria provided, single submitter. Criteria: Invitae Variant Classification Sherloc (09022015). Collection method: clinical testing. Allele origin: germline.

Color Diagnostics, LLC DBA Color Health
Classification: Likely benign for Cardiomyopathy. Last evaluated: 2018-11-21. Review status: criteria provided, single submitter. Criteria: ACMG Guidelines, 2015. Collection method: clinical testing. Allele origin: germline.

NM_000257.4(MYH7):c.5565G>A (p.Glu1855=)

Gene: MYH7 (myosin heavy chain 7; minus strand). Cytogenetic location: 14q11.2.
Variant type: single nucleotide variant.
Coding change: c.5565G>A on transcript NM_000257.4 (MANE Select); coding-DNA position 5565, G replaced by A.
Protein change: p.Glu1855=; no amino-acid change (glutamic acid 1855 retained).
Molecular consequence: synonymous variant.
Genome position (GRCh38, 1-based): chr14:23,414,097, C>T on the plus strand (G>A on the coding strand, the complement: MYH7 is on the minus strand). VCF-style: chr14-23414097-C-T. GRCh37 (hg19) VCF-style: chr14-23883306-C-T.
Identifiers: ClinVar variation 759056 (VCV000759056.10), dbSNP rs762494719, ClinGen allele CA047547.